The following is an entry in ClinVar:

ClinVar aggregate classification (germline): Conflicting classifications of pathogenicity. Review status: criteria provided, conflicting classifications (1 of 4 stars). 2 submissions from 2 submitters: Likely pathogenic (1); Uncertain significance (1). Last evaluated 2025-01-21.

Conditions:
Hereditary cancer-predisposing syndrome. Also called: Neoplastic Syndromes, Hereditary; Tumor predisposition; Hereditary neoplastic syndrome; Hereditary Cancer Syndrome. Identifiers: Orphanet 140162, MedGen C0027672, MeSH D009386, MONDO:0015356.

Submissions (2):

Ambry Genetics
Classification: Uncertain significance for Hereditary cancer-predisposing syndrome. Last evaluated: 2025-01-21. Review status: criteria provided, single submitter. Criteria: Ambry Variant Classification Scheme 2023. Collection method: clinical testing. Allele origin: germline.
Comment: The c.4551+2T>G intronic variant results from a T to G substitution two nucleotides after coding exon 35 in the POLE gene. Alterations that disrupt the canonical splice site are expected to result in aberrant splicing. In silico splice site analysis predicts that this alteration will weaken the native splice donor site. RNA studies have demonstrated that this alteration results in abnormal splicing in the set of samples tested (Ambry internal data). This nucleotide position is highly conserved in available vertebrate species. Based on the supporting evidence, this alteration is likely pathogenic for POLE deficiency; however, the association of this alteration with POLE-related polymerase proofreading-associated polyposis (PPAP) and POLE-related CMMRD-like syndrome is unknown.

Labcorp Genetics (formerly Invitae), Labcorp
Classification: Likely pathogenic. Last evaluated: 2022-05-12. Review status: criteria provided, single submitter. Criteria: Invitae Variant Classification Sherloc (09022015). Collection method: clinical testing. Allele origin: germline.
Comment: This variant has not been reported in the literature in individuals affected with POLE-related conditions. This variant is not present in population databases (gnomAD no frequency). This sequence change affects a donor splice site in intron 35 of the POLE gene. It is expected to disrupt RNA splicing. Variants that disrupt the donor or acceptor splice site typically lead to a loss of protein function (PMID: 16199547), and loss-of-function variants in POLE are known to be pathogenic (PMID: 23230001, 25948378, 30503519). In summary, the currently available evidence indicates that the variant is pathogenic, but additional data are needed to prove that conclusively. Therefore, this variant has been classified as Likely Pathogenic. Algorithms developed to predict the effect of sequence changes on RNA splicing suggest that this variant may disrupt the consensus splice site. ClinVar contains an entry for this variant (Variation ID: 824994).

Literature cited by the submitters: PubMed 16199547 (cited by Labcorp Genetics (formerly Invitae), Labcorp); PubMed 23230001 (cited by Labcorp Genetics (formerly Invitae), Labcorp); PubMed 25948378 (cited by Labcorp Genetics (formerly Invitae), Labcorp); PubMed 30503519 (cited by Labcorp Genetics (formerly Invitae), Labcorp).

NM_006231.4(POLE):c.4551+2T>G

Gene: POLE (DNA polymerase epsilon, catalytic subunit; minus strand). Cytogenetic location: 12q24.33.
Variant type: single nucleotide variant.
Coding change: c.4551+2T>G on transcript NM_006231.4 (MANE Select); the canonical splice donor site of the intron after coding-DNA position 4551, T replaced by G.
Molecular consequence: splice donor variant.
Genome position (GRCh38, 1-based): chr12:132,643,222, A>C on the plus strand (T>G on the coding strand, the complement: POLE is on the minus strand). VCF-style: chr12-132643222-A-C. GRCh37 (hg19) VCF-style: chr12-133219808-A-C.
Identifiers: ClinVar variation 824994 (VCV000824994.15), dbSNP rs1374395062, ClinGen allele CA387380239.